The following is an entry in ClinVar:

NM_015100.4(POGZ):c.1357C>G (p.Pro453Ala)

Gene: POGZ (pogo transposable element derived with ZNF domain; minus strand). Cytogenetic location: 1q21.3.
Variant type: single nucleotide variant.
Coding change: c.1357C>G on transcript NM_015100.4 (MANE Select); coding-DNA position 1357, C replaced by G.
Protein change: p.Pro453Ala; replaces proline 453 with alanine.
Molecular consequence: missense variant.
Genome position (GRCh38, 1-based): chr1:151,424,115, G>C on the plus strand (C>G on the coding strand, the complement: POGZ is on the minus strand). VCF-style: chr1-151424115-G-C. GRCh37 (hg19) VCF-style: chr1-151396591-G-C.
Other names: c.1330C>G, p.Pro444Ala (NM_001194937.2); c.1171C>G, p.Pro391Ala (NM_001194938.2); c.1072C>G, p.Pro358Ala (NM_145796.4); c.1198C>G, p.Pro400Ala (NM_207171.2); short protein forms P453A, P358A, P444A, P400A, P391A.
Identifiers: ClinVar variation 589713 (VCV000589713.5), dbSNP rs1433388035, ClinGen allele CA341971317.

ClinVar aggregate classification (germline): Uncertain significance (1 of 4 stars; one submission).

Conditions:
Inborn genetic diseases. Identifiers: MedGen C0950123, MeSH D030342.

Submission:

Ambry Genetics
Classification: Uncertain significance for Inborn genetic diseases. Last evaluated: 2016-11-17. Review status: criteria provided, single submitter. Criteria: Ambry Variant Classification Scheme 2023. Collection method: clinical testing. Allele origin: germline.
Comment: The p.P453A variant (also known as c.1357C>G), located in coding exon 8 of the POGZ gene, results from a C to G substitution at nucleotide position 1357. The proline at codon 453 is replaced by alanine, an amino acid with highly similar properties. This variant was not reported in population based cohorts in the following databases: Database of Single Nucleotide Polymorphisms (dbSNP), NHLBI Exome Sequencing Project (ESP), and 1000 Genomes Project. In the ESP, this variant was not observed in 6503 samples (13006 alleles) with coverage at this position. This amino acid position is highly conserved in available vertebrate species. In addition, this alteration is predicted to be tolerated by in silico analysis. Since supporting evidence is limited at this time, the clinical significance of this alteration remains unclear.